The following is an entry in ClinVar:

ClinVar aggregate classification (germline): Uncertain significance. Review status: criteria provided, multiple submitters, no conflicts (2 of 4 stars). 2 submissions from 2 submitters: Uncertain significance (2). Last evaluated 2025-07-18.

Conditions:
Baller-Gerold syndrome (BGS). Also called: CRANIOSYNOSTOSIS WITH RADIAL DEFECTS. Identifiers: Orphanet 1225, MedGen C0265308, MONDO:0009039, OMIM 218600.
Inborn genetic diseases. Identifiers: MedGen C0950123, MeSH D030342.

Submissions (2):

Ambry Genetics
Classification: Uncertain significance for Inborn genetic diseases. Last evaluated: 2025-07-18. Review status: criteria provided, single submitter. Criteria: Ambry Variant Classification Scheme 2023. Collection method: clinical testing. Allele origin: germline.
Comment: The p.D1042Y variant (also known as c.3124G>T), located in coding exon 18 of the RECQL4 gene, results from a G to T substitution at nucleotide position 3124. The aspartic acid at codon 1042 is replaced by tyrosine, an amino acid with highly dissimilar properties. This amino acid position is conserved. Based on the available evidence, the clinical significance of this variant remains unclear.

Labcorp Genetics (formerly Invitae), Labcorp
Classification: Uncertain significance for Baller-Gerold syndrome. Last evaluated: 2020-06-21. Review status: criteria provided, single submitter. Criteria: Invitae Variant Classification Sherloc (09022015). Collection method: clinical testing. Allele origin: germline.
Comment: This sequence change replaces aspartic acid with tyrosine at codon 1042 of the RECQL4 protein (p.Asp1042Tyr). The aspartic acid residue is highly conserved and there is a large physicochemical difference between aspartic acid and tyrosine. This variant is not present in population databases (ExAC no frequency). This variant has not been reported in the literature in individuals with RECQL4-related conditions. Experimental studies and prediction algorithms are not available or were not evaluated, and the functional significance of this variant is currently unknown. In summary, the available evidence is currently insufficient to determine the role of this variant in disease. Therefore, it has been classified as a Variant of Uncertain Significance.

NM_004260.4(RECQL4):c.3124G>T (p.Asp1042Tyr)

Gene: RECQL4 (RecQ like helicase 4; minus strand). Cytogenetic location: 8q24.3.
Variant type: single nucleotide variant.
Coding change: c.3124G>T on transcript NM_004260.4 (MANE Select); coding-DNA position 3124, G replaced by T.
Protein change: p.Asp1042Tyr; replaces aspartic acid 1042 with tyrosine.
Molecular consequence: missense variant.
Genome position (GRCh38, 1-based): chr8:144,512,256, C>A on the plus strand (G>T on the coding strand, the complement: RECQL4 is on the minus strand). VCF-style: chr8-144512256-C-A. GRCh37 (hg19) VCF-style: chr8-145737639-C-A.
Other names: c.3124G>T (NM_004260.3); short protein forms D1042Y.
Identifiers: ClinVar variation 1015887 (VCV001015887.2), dbSNP rs1827384465, ClinGen allele CA372670474.